The following is an entry in ClinVar:

NM_001276270.2(MBD4):c.1632C>T (p.Val544=)

Gene: MBD4 (methyl-CpG binding domain 4, DNA glycosylase; minus strand). Cytogenetic location: 3q21.3.
Variant type: single nucleotide variant.
Coding change: c.1632C>T on transcript NM_001276270.2 (MANE Select); coding-DNA position 1632, C replaced by T.
Protein change: p.Val544=; no amino-acid change (valine 544 retained).
Molecular consequence: synonymous variant. On other transcripts: intron variant (1).
Genome position (GRCh38, 1-based): chr3:129,432,518, G>A on the plus strand (C>T on the coding strand, the complement: MBD4 is on the minus strand). VCF-style: chr3-129432518-G-A. GRCh37 (hg19) VCF-style: chr3-129151361-G-A.
Other names: c.1650C>T, p.Val550= (NM_001276271.2, NM_003925.3); c.696C>T, p.Val232= (NM_001276273.2); c.1612+38C>T (NM_001276272.2).
Identifiers: ClinVar variation 4825707 (VCV004825707.1).

ClinVar aggregate classification (germline): Uncertain significance (1 of 4 stars; one submission).

Conditions:
Inborn genetic diseases. Identifiers: MedGen C0950123, MeSH D030342.

gnomAD v4.1: 2 of 1,614,206 alleles (0.00012%); highest among the groups gnomAD compares: South Asian, 0.0011%; no homozygotes.

Submission:

Ambry Genetics
Classification: Uncertain significance for Inborn genetic diseases. Last evaluated: 2026-02-18. Review status: criteria provided, single submitter. Criteria: Ambry Variant Classification Scheme 2023. Collection method: clinical testing. Allele origin: germline.
Comment: The c.1632C>T variant (also known as p.V544V), located in coding exon 7 of the MBD4 gene, results from a C to T substitution at nucleotide position 1632. This nucleotide substitution does not change the amino acid at codon 544. This nucleotide position is not well conserved in available vertebrate species. In silico splice site analysis predicts that this alteration may weaken the native splice donor site. Based on the available evidence, the clinical significance of this variant remains unclear.